The following is an entry in ClinVar:

NM_015047.3(EMC1):c.1715T>C (p.Leu572Pro)

Genes: EMC1 (ER membrane protein complex subunit 1; minus strand), EMC1-AS1 (EMC1 antisense RNA 1; plus strand). Cytogenetic location: 1p36.13.
Variant type: single nucleotide variant.
Coding change: c.1715T>C on transcript NM_015047.3 (MANE Select); coding-DNA position 1715, T replaced by C.
Protein change: p.Leu572Pro; replaces leucine 572 with proline.
Molecular consequence: missense variant.
Genome position (GRCh38, 1-based): chr1:19,232,691, A>G on the plus strand (T>C on the coding strand, the complement: EMC1 is on the minus strand). VCF-style: chr1-19232691-A-G. GRCh37 (hg19) VCF-style: chr1-19559185-A-G.
Other names: c.1712T>C, p.Leu571Pro (NM_001271427.2, NM_001271428.2); c.1649T>C, p.Leu550Pro (NM_001271429.2); c.1724T>C, p.Leu575Pro (NM_001375820.1); c.1721T>C, p.Leu574Pro (NM_001375821.1); short protein forms L550P, L572P, L571P, L575P, L574P.
Identifiers: ClinVar variation 1445435 (VCV001445435.8), dbSNP rs2151949414, ClinGen allele CA338760759.
Genomic context (GRCh38, chr1:19,232,691, plus strand): 5'-TTCACCAGCAGGGTGCACTGTGGGGGATGGGGGAAATGAGCAGTAGTTCTCTGGACCATC[A>G]GTTTAAAGGAGGAGTCTGGCTTGACATTGGGTAGATACTGTTTCCACAGGATGGTGCCAG-3'
Protein context (NP_055862.1, residues 562-582): PNVKPDSSFK[Leu572Pro]MVQRTTAHFP

ClinVar aggregate classification (germline): Uncertain significance (1 of 4 stars; one submission).

gnomAD v4.1: 1 of 1,614,208 alleles (0.000062%); highest among the groups gnomAD compares: Non-Finnish European, 0.000085%; no homozygotes.

Submission:

Labcorp Genetics (formerly Invitae), Labcorp
Classification: Uncertain significance. Last evaluated: 2024-07-23. Review status: criteria provided, single submitter. Criteria: Invitae Variant Classification Sherloc (09022015). Collection method: clinical testing. Allele origin: germline.
Comment: This sequence change replaces leucine, which is neutral and non-polar, with proline, which is neutral and non-polar, at codon 572 of the EMC1 protein (p.Leu572Pro). This variant is not present in population databases (gnomAD no frequency). This variant has not been reported in the literature in individuals affected with EMC1-related conditions. ClinVar contains an entry for this variant (Variation ID: 1445435). Advanced modeling of protein sequence and biophysical properties (such as structural, functional, and spatial information, amino acid conservation, physicochemical variation, residue mobility, and thermodynamic stability) performed at Invitae indicates that this missense variant is expected to disrupt EMC1 protein function with a positive predictive value of 80%. In summary, the available evidence is currently insufficient to determine the role of this variant in disease. Therefore, it has been classified as a Variant of Uncertain Significance.